The following is an entry in ClinVar:

NM_032242.4(PLXNA1):c.642C>T (p.Asp214=)

Gene: PLXNA1 (plexin A1; plus strand). Cytogenetic location: 3q21.3.
Variant type: single nucleotide variant.
Coding change: c.642C>T on transcript NM_032242.4 (MANE Select); coding-DNA position 642, C replaced by T.
Protein change: p.Asp214=; no amino-acid change (aspartic acid 214 retained).
Molecular consequence: synonymous variant.
Genome position (GRCh38, 1-based): chr3:126,989,235, C>T. VCF-style: chr3-126989235-C-T. GRCh37 (hg19) VCF-style: chr3-126708078-C-T.
Identifiers: ClinVar variation 4995124 (VCV004995124.1).

ClinVar aggregate classification (germline): Likely benign (1 of 4 stars; one submission).

Conditions:
PLXNA1-related disorder. Also called: PLXNA1-related condition.

gnomAD v4.1: 7 of 1,613,550 alleles (0.00043%); highest among the groups gnomAD compares: Non-Finnish European, 0.00059%; no homozygotes.

Submission:

PreventionGenetics, part of Exact Sciences
Classification: Likely benign for PLXNA1-related condition. Last evaluated: 2025-11-18. Review status: criteria provided, single submitter. Criteria: ACMG Guidelines, 2015. Collection method: clinical testing. Allele origin: germline.
Comment: This variant is classified as likely benign based on ACMG/AMP sequence variant interpretation guidelines (Richards et al. 2015 PMID: 25741868, with internal and published modifications).